The following is an entry in ClinVar:

NM_000152.5(GAA):c.1051del (p.Val351fs)

Gene: GAA (alpha glucosidase; plus strand). Cytogenetic location: 17q25.3.
Variant type: Deletion.
Coding change: c.1051del on transcript NM_000152.5 (MANE Select); coding-DNA position 1051, one base deleted (G; older notation c.1051delG).
Protein change: p.Val351fs; shifts the reading frame from valine 351.
Molecular consequence: frameshift variant.
Genome position (GRCh38, 1-based): chr17:80,108,385, G deleted; the last of 2 consecutive G bases (chr17:80,108,384-80,108,385); deleting either gives the same sequence. VCF-style (leftmost placement, unchanged base first): chr17-80108383-TG-T. GRCh37 (hg19) VCF-style: chr17-78082182-TG-T.
Other names: c.1051del (NM_000152.3, LRG_673t1, NM_001079803.2); c.1051delG (NM_000152.4); c.1051del, p.Val351fs (NM_001079803.3, NM_001079804.3); short protein forms V351fs.
Identifiers: ClinVar variation 188841 (VCV000188841.29), dbSNP rs786204507, ClinGen allele CA274024.

ClinVar aggregate classification (germline): Pathogenic. Review status: reviewed by expert panel (3 of 4 stars). 12 submissions from 12 submitters: Pathogenic (1). 11 of the submissions do not count toward it. Last evaluated 2020-05-03.

Conditions:
GAA-related disorder. Also called: GAA-related condition.
Glycogen storage disease, type II (IOPD). Also called: Glucosidase acid-1,4-alpha deficiency; CARDIOMEGALIA GLYCOGENICA DIFFUSA; GLYCOGENOSIS, GENERALIZED, CARDIAC FORM; GSD II; Glycogen storage disease type 2; Acid maltase deficiency disease. Identifiers: Orphanet 365, MedGen C0017921, MONDO:0009290, OMIM 232300.

Submissions (12):

ClinGen Lysosomal Storage Disorder Variant Curation Expert Panel
Classification: Pathogenic for Glycogen storage disease, type II. Last evaluated: 2020-05-03. Review status: reviewed by expert panel. Criteria: ClinGen LSD ACMG Specifications v1. Collection method: curation. Allele origin: germline. Inheritance: Autosomal recessive inheritance.
Comment: This variant, c.1051delG (p.Val351Cysfs), is a frameshift variant which is predicted to result in a premature termination codon, nonsense mediated decay, and lack of gene product, meeting PVS1. The variant is absent in gnomAD v 2.1.1, meeting PM2. This variant has been reported in three individuals with Pompe disease and residual GAA activating meeting PP4 specifications (PMIDs 20033296, 20817528, 22676651). Two of these individuals are compound heterozygous for the variant and c.-32-13T>G, phase unknown (PMIDs 20817528, 22676651). The other individual is compound heterozygous for the variant and c.1655T>C (p.Leu552Pro) (PMID 20033296). However, this in trans data will be used in the classification of p.Leu552Pro and is not included here in order to avoid a circular argument. Additional patients have been reported but were not included because the residual GAA activity was not provided and therefore PP4 cannot be assessed (PMID 24923245, 25455803). PM3_Supporting is met. There is a ClinVar entry for this variant (Variation ID 188841; 2 star review status) with one submitter classifying the variant as likely pathogenic and one a likely pathogenic. In summary, the variant meets the criteria to be classified as pathogenic for Pompe disease. ACMG/AMP criteria met, as specified by the ClinGen LSD VCEP: PVS1, PM2, PM3_Supporting, PP4.

Genomenon, Inc
Classification: Pathogenic for Glycogen storage disease, type II. Last evaluated: 2026-07-01. Review status: criteria provided, single submitter. Criteria: Genomenon Sequence Variant Interpretation Standards - Updated. Collection method: curation. Allele origin: germline. Affected: yes. Not counted in ClinVar's aggregate classification.
Comment: GAA p.Val351CysfsTer41 (c.1051del) is a frameshift variant that is predicted to introduce a premature termination codon and result in a truncated or absent protein product. This variant has been observed in at least one proband with a GAA-related disorder (PMID:34852371;32849613). It is absent or not present at a significant frequency in gnomAD. In conclusion, we classify GAA p.Val351CysfsTer41 (c.1051del) as a pathogenic variant.

PreventionGenetics, part of Exact Sciences
Classification: Pathogenic for GAA-related condition. Last evaluated: 2026-02-15. Review status: criteria provided, single submitter. Criteria: ACMG Guidelines, 2015. Collection method: clinical testing. Allele origin: germline. Not counted in ClinVar's aggregate classification.
Comment: The GAA c.1051delG variant is predicted to result in a frameshift and premature protein termination (p.Val351Cysfs*41). This variant has been reported in the compound heterozygous state in several individuals with glycogen storage disease type II (GSD II) (see for examples: Kroos et al. 2008. PubMed ID: 18425781; Löscher et al. 2017. PubMed ID: 29181627; Holzwarth et al. 2021. PubMed ID: 34852371). This variant is absent in a large population database (gnomAD), indicating this variant is rare. Frameshift variants in GAA are an established mechanism of disease. This variant is interpreted as pathogenic.

Labcorp Genetics (formerly Invitae), Labcorp
Classification: Pathogenic for Glycogen storage disease, type II. Last evaluated: 2025-10-26. Review status: criteria provided, single submitter. Criteria: Invitae Variant Classification Sherloc (09022015). Collection method: clinical testing. Allele origin: germline. Not counted in ClinVar's aggregate classification.
Comment: This sequence change creates a premature translational stop signal (p.Val351Cysfs*41) in the GAA gene. It is expected to result in an absent or disrupted protein product. Loss-of-function variants in GAA are known to be pathogenic (PMID: 18425781, 22252923). This variant is present in population databases (rs786204507, gnomAD 0.0009%). This premature translational stop signal has been observed in individuals with glycogen storage disease (PMID: 18425781, 29181627). ClinVar contains an entry for this variant (Variation ID: 188841). Algorithms developed to predict the effect of sequence changes on RNA splicing suggest that this variant may disrupt the consensus splice site. For these reasons, this variant has been classified as Pathogenic.

Natera, Inc.
Classification: Pathogenic for Glycogen storage disease type II. Last evaluated: 2024-04-03. Review status: criteria provided, single submitter. Criteria: Natera Variant Classification Schema (03/2026). Collection method: clinical testing. Allele origin: germline. Not counted in ClinVar's aggregate classification.
Comment: The c.1051delG variant in GAA is a frameshift variant predicted to shift the reading frame beginning at codon 351 and leads to a stop codon 41 codons downstream. This variant is expected to result in nonsense mediated decay, truncation, or a dysfunctional protein product. This variant is rare in the general population with a frequency below the threshold expected for the associated phenotype(s). This variant has been observed in one or more individuals affected with the associated recessive disease, as either homozygous or compound heterozygous with a second variant (PMID: 34852371). Given the available evidence, this variant is classified as Pathogenic.

Baylor Genetics
Classification: Pathogenic for Glycogen storage disease, type II. Last evaluated: 2023-10-11. Review status: criteria provided, single submitter. Criteria: ACMG Guidelines, 2015. Collection method: clinical testing. Allele origin: unknown. Not counted in ClinVar's aggregate classification.

Revvity Omics, Revvity
Classification: Pathogenic. Last evaluated: 2023-09-15. Review status: criteria provided, single submitter. Criteria: ACMG Guidelines, 2015. Collection method: clinical testing. Allele origin: germline. Not counted in ClinVar's aggregate classification.

GeneDx
Classification: Pathogenic. Last evaluated: 2023-01-05. Review status: criteria provided, single submitter. Criteria: GeneDx Variant Classification Process June 2021. Collection method: clinical testing. Allele origin: germline. Affected: yes. Not counted in ClinVar's aggregate classification.
Comment: Frameshift variant predicted to result in protein truncation or nonsense-mediated decay in a gene for which loss-of-function is a known mechanism of disease; Not observed at significant frequency in large population cohorts (gnomAD); This variant is associated with the following publications: (PMID: 17027861, 18425781, 22252923, 20817528, 31392188, 22676651, 34852371, 30922962, 25455803, 29181627, 24923245, 20033296)

Fulgent Genetics
Classification: Pathogenic for Glycogen storage disease, type II. Last evaluated: 2021-07-29. Review status: criteria provided, single submitter. Criteria: ACMG Guidelines, 2015. Collection method: clinical testing. Allele origin: unknown. Not counted in ClinVar's aggregate classification.

Broad Center for Mendelian Genomics, Broad Institute of MIT and Harvard
Classification: Pathogenic for Glycogen storage disease, type II. Last evaluated: 2020-01-22. Review status: criteria provided, single submitter. Criteria: ACMG Guidelines, 2015. Collection method: curation. Allele origin: germline. Inheritance: Autosomal recessive inheritance. Not counted in ClinVar's aggregate classification.
Comment: This variant was absent from large population studies, though the ability of these studies to accurately detect indels may be limited. Although this variant has been seen in the general population, its frequency is low enough to be consistent with a recessive carrier frequency. In vitro functional studies with COS cells transfected with this variant provide some evidence that the p.Val351CysfsTer41 variant may impact GAA levels and activity (PMID: 18425781). However, these types of assays may not accurately represent biological function. This variant is predicted to cause a frameshift, which alters the protein's amino acid sequence beginning at position 351 and leads to a premature termination codon 41 amino acids downstream. This alteration is then predicted to lead to a truncated or absent protein. Loss of function of the GAA gene is an established disease mechanism in autosomal recessive Glycogen Storage Disease II. This variant has been seen in combination with a reported pathogenic variant in patients with Glycogen Storage Disease II (PMID: 22676651, 24923245, 25455803, 20817528). The phenotype of 3 individuals homozygous for this variant is highly specific for Glycogen Storage Disease II with abnormally low GAA activity detected in their leukocytes or fibroblasts (PMID: 20817528, 24923245). In summary, this variant meets criteria to be classified as pathogenic for Glycogen Storage Disease II in an autosomal recessive manner based on the predicted impact of the variant and low GAA activity in individuals with Glycogen Storage Disease II. ACMG/AMP Criteria applied: PVS1, PM2, PP4 (Richards 2015).

Eurofins Ntd Llc (ga)
Classification: Pathogenic. Last evaluated: 2016-02-16. Review status: criteria provided, single submitter. Criteria: EGL Classification Definitions 2015. Collection method: clinical testing. Allele origin: germline. Observed: 1 variant allele, 1 heterozygote. Not counted in ClinVar's aggregate classification.

Counsyl
Classification: Likely pathogenic for Glycogen storage disease, type II. Last evaluated: 2014-06-19. Review status: no assertion criteria provided. Collection method: literature only. Allele origin: unknown. Inheritance: Autosomal recessive inheritance. Not counted in ClinVar's aggregate classification.

Literature cited by the submitters: PubMed 24923245 (cited by 3 submitters); PubMed 25455803 (cited by ClinGen Lysosomal Storage Disorder Variant Curation Expert Panel); PubMed 20817528 (cited by 3 submitters); PubMed 22676651 (cited by ClinGen Lysosomal Storage Disorder Variant Curation Expert Panel and Counsyl); PubMed 20033296 (cited by ClinGen Lysosomal Storage Disorder Variant Curation Expert Panel); PubMed 34852371 (cited by Genomenon, Inc and Natera, Inc.); PubMed 32849613 (cited by Genomenon, Inc); PubMed 18425781 (cited by Labcorp Genetics (formerly Invitae), Labcorp and Counsyl); PubMed 22252923 (cited by Labcorp Genetics (formerly Invitae), Labcorp); PubMed 29181627 (cited by Labcorp Genetics (formerly Invitae), Labcorp); PubMed 17027861 (cited by Counsyl).